The following is an entry in ClinVar:

NM_000492.4(CFTR):c.3401C>G (p.Thr1134Ser)

Genes: CFTR (CF transmembrane conductance regulator; plus strand), CFTR-AS2 (CFTR antisense RNA 2; minus strand). Cytogenetic location: 7q31.2.
Variant type: single nucleotide variant.
Coding change: c.3401C>G on transcript NM_000492.4 (MANE Select); coding-DNA position 3401, C replaced by G.
Protein change: p.Thr1134Ser; replaces threonine 1134 with serine.
Molecular consequence: missense variant.
Genome position (GRCh38, 1-based): chr7:117,614,646, C>G. VCF-style: chr7-117614646-C-G. GRCh37 (hg19) VCF-style: chr7-117254700-C-G.
Other names: short protein forms T1134S.
Identifiers: ClinVar variation 4227394 (VCV004227394.1).

ClinVar aggregate classification (germline): Uncertain significance (1 of 4 stars; one submission).

Conditions:
Cystic fibrosis (CF). Also called: MUCOVISCIDOSIS. Identifiers: Orphanet 586, MedGen C0010674, MONDO:0009061, OMIM 219700. Disease mechanism: loss of function.

Submission:

Ambry Genetics
Classification: Uncertain significance for Cystic fibrosis. Last evaluated: 2025-06-27. Review status: criteria provided, single submitter. Criteria: Ambry Variant Classification Scheme 2023. Collection method: clinical testing. Allele origin: germline.
Comment: The p.T1134S variant (also known as c.3401C>G), located in coding exon 21 of the CFTR gene, results from a C to G substitution at nucleotide position 3401. The threonine at codon 1134 is replaced by serine, an amino acid with similar properties. This amino acid position is conserved. In addition, the in silico prediction for this alteration is inconclusive. Based on the available evidence, the clinical significance of this variant remains unclear.